The following is an entry in ClinVar:

NC_000017.10:g.(?_17116969)_(17117180_?)del

Gene: FLCN (folliculin; minus strand). Cytogenetic location: 17p11.2.
Variant type: Deletion.
Identifiers: ClinVar variation 1075239 (VCV001075239.2).

ClinVar aggregate classification (germline): Pathogenic (1 of 4 stars; one submission).

Conditions:
Birt-Hogg-Dube syndrome. Also called: Birt Hogg Dubé syndrome. Identifiers: Orphanet 122, MedGen C0346010, MONDO:0800444.

Submission:

Labcorp Genetics (formerly Invitae), Labcorp
Classification: Pathogenic for Birt-Hogg-Dube syndrome. Last evaluated: 2022-08-21. Review status: criteria provided, single submitter. Criteria: Invitae Variant Classification Sherloc (09022015). Collection method: clinical testing. Allele origin: germline.
Comment: This variant is a gross deletion of the genomic region encompassing exon(s) 14 of the FLCN gene, which includes the termination codon. This deletion extends beyond the assayed region for this gene and therefore may encompass additional genes. While this deletion is not anticipated to lead to nonsense mediated decay, it is expected to alter mRNA translation or result in a truncated protein product. A similar copy number variant has been observed in individuals with features of Birt-Hogg-Dube syndrome (PMID: 20413710, 24393238, 27229674). This variant disrupts the FNIP1/2 interaction domain, which has been shown to be important for AMPK-mediated mTOR signaling pathways (PMID: 17028174, 18403135, 18663353, 22977732). While functional studies have not been performed to directly test the effect of this variant on FLCN protein function, this suggests that disruption of this region of the protein may be causative of disease. This variant disrupts a region of the FLCN protein in which other variant(s) (p.Arg527*, p.Gln533*) have been determined to be pathogenic (PMID: 15852235, 17028174, 18403135, 18663353, 19802896, 22977732; Invitae). This suggests that this is a clinically significant region of the protein, and that variants that disrupt it are likely to be disease-causing. For these reasons, this variant has been classified as Pathogenic.

Literature cited by the submitters: PubMed 20413710; PubMed 24393238; PubMed 27229674; PubMed 17028174; PubMed 18403135; PubMed 18663353; PubMed 22977732; PubMed 15852235; PubMed 19802896.